The following is an entry in ClinVar:

ClinVar aggregate classification (germline): Uncertain significance (1 of 4 stars; one submission).

gnomAD v4.1: 5 of 1,614,100 alleles (0.00031%); highest among the groups gnomAD compares: East Asian, 0.0089%; no homozygotes.

Submission:

Labcorp Genetics (formerly Invitae), Labcorp
Classification: Uncertain significance. Last evaluated: 2024-11-27. Review status: criteria provided, single submitter. Criteria: Invitae Variant Classification Sherloc (09022015). Collection method: clinical testing. Allele origin: germline.
Comment: This sequence change falls in intron 19 of the SPTBN2 gene. It does not directly change the encoded amino acid sequence of the SPTBN2 protein. It affects a nucleotide within the consensus splice site. This variant is present in population databases (rs760757870, gnomAD 0.006%). This variant has not been reported in the literature in individuals affected with SPTBN2-related conditions. Variants that disrupt the consensus splice site are a relatively common cause of aberrant splicing (PMID: 17576681, 9536098). Algorithms developed to predict the effect of sequence changes on RNA splicing suggest that this variant is not likely to affect RNA splicing. In summary, the available evidence is currently insufficient to determine the role of this variant in disease. Therefore, it has been classified as a Variant of Uncertain Significance.

Literature cited by the submitters: PubMed 17576681; PubMed 9536098.

NM_006946.4(SPTBN2):c.4014+6C>T

Gene: SPTBN2 (spectrin beta, non-erythrocytic 2; minus strand). Cytogenetic location: 11q13.2.
Variant type: single nucleotide variant.
Coding change: c.4014+6C>T on transcript NM_006946.4 (MANE Select); 6 bases into the intron after coding-DNA position 4014, C replaced by T.
Molecular consequence: intron variant.
Genome position (GRCh38, 1-based): chr11:66,698,633, G>A on the plus strand (C>T on the coding strand, the complement: SPTBN2 is on the minus strand). VCF-style: chr11-66698633-G-A. GRCh37 (hg19) VCF-style: chr11-66466104-G-A.
Other names: c.4035+6C>T (NM_001411025.1).
Identifiers: ClinVar variation 3681911 (VCV003681911.2).
Genomic context (GRCh38, chr11:66,698,633, plus strand): 5'-GGAGCCAGGCCCTCCCCCGTACCATGGGGGACTCTGCCCAGAGGCAGCCCCCACAGCACT[G>A]CTCACCTTGTCCACCTTGTCCAGCCAGTCTTTGTTGGCAGCCAGCTCGGCCATGAATGCC-3'